The following is an entry in ClinVar:

NM_182961.4(SYNE1):c.9009+5G>T

Genes: SYNE1 (spectrin repeat containing nuclear envelope protein 1; minus strand), SYNE1-AS1 (SYNE1 antisense RNA 1; plus strand). Cytogenetic location: 6q25.2.
Variant type: single nucleotide variant.
Coding change: c.9009+5G>T on transcript NM_182961.4 (MANE Select); 5 bases into the intron after coding-DNA position 9009, G replaced by T.
Molecular consequence: intron variant.
Genome position (GRCh38, 1-based): chr6:152,381,001, C>A on the plus strand (G>T on the coding strand, the complement: SYNE1 is on the minus strand). VCF-style: chr6-152381001-C-A. GRCh37 (hg19) VCF-style: chr6-152702136-C-A.
Other names: c.9030+5G>T (NM_033071.5).
Identifiers: ClinVar variation 576712 (VCV000576712.7), dbSNP rs1252397404, ClinGen allele CA820902077.

ClinVar aggregate classification (germline): Uncertain significance. Review status: criteria provided, multiple submitters, no conflicts (2 of 4 stars). 2 submissions from 2 submitters: Uncertain significance (2). Last evaluated 2024-10-24.

Conditions:
SYNE1-related disorder. Also called: SYNE1-related disease; SYNE1-related condition; SYNE1-related disorders.
Emery-Dreifuss muscular dystrophy 4, autosomal dominant (EDMD4). Also called: EMERY-DREIFUSS MUSCULAR DYSTROPHY 4 WITH VARIABLE FEATURES. Identifiers: Orphanet 261, MedGen C2751807, MONDO:0013071, OMIM 612998.
Autosomal recessive ataxia, Beauce type. Also called: SYNE1 Deficiency; ATAXIA, RECESSIVE, OF BEAUCE; Spinocerebellar ataxia, autosomal recessive 8; SYNE1-Related Autosomal Recessive Cerebellar Ataxia. Identifiers: Orphanet 88644, MedGen C1853116, MONDO:0012549, OMIM 610743.

Allele frequency attached by ClinVar (database versions not stated): TOPMed 0.00001.

Submissions (2):

PreventionGenetics, part of Exact Sciences
Classification: Uncertain significance for SYNE1-related condition. Last evaluated: 2024-10-24. Review status: criteria provided, single submitter. Criteria: ACMG Guidelines, 2015. Collection method: clinical testing. Allele origin: germline.
Comment: The SYNE1 c.9030+5G>T variant is predicted to interfere with splicing. To our knowledge, this variant has not been reported in the literature or in a large population database (gnomAD), indicating this variant is rare. At this time, the clinical significance of this variant is uncertain due to the absence of conclusive functional and genetic evidence.

Labcorp Genetics (formerly Invitae), Labcorp
Classification: Uncertain significance for Emery-Dreifuss muscular dystrophy 4, autosomal dominant; Autosomal recessive ataxia, Beauce type. Last evaluated: 2018-01-19. Review status: criteria provided, single submitter. Criteria: Invitae Variant Classification Sherloc (09022015). Collection method: clinical testing. Allele origin: germline.
Comment: This sequence change falls in intron 56 of the SYNE1 gene. It does not directly change the encoded amino acid sequence of the SYNE1 protein, but it affects a nucleotide within the consensus splice site of the intron. This variant is not present in population databases (ExAC no frequency). In summary, the available evidence is currently insufficient to determine the role of this variant in disease. Therefore, it has been classified as a Variant of Uncertain Significance. Nucleotide substitutions within the consensus splice site are a relatively common cause of aberrant splicing (PMID: 17576681, 9536098). Algorithms developed to predict the effect of sequence changes on RNA splicing suggest that this variant may disrupt the consensus splice site, but this prediction has not been confirmed by published transcriptional studies. This variant has not been reported in the literature in individuals with SYNE1-related disease.

Literature cited by the submitters: PubMed 17576681 (cited by Labcorp Genetics (formerly Invitae), Labcorp); PubMed 9536098 (cited by Labcorp Genetics (formerly Invitae), Labcorp).